The following is an entry in ClinVar:

NM_005188.4(CBL):c.171G>C (p.Glu57Asp)

Genes: CBL (Cbl proto-oncogene; plus strand), LOC130006895 (ATAC-STARR-seq lymphoblastoid silent region 3975; plus strand). Cytogenetic location: 11q23.3.
Variant type: single nucleotide variant.
Coding change: c.171G>C on transcript NM_005188.4 (MANE Select); coding-DNA position 171, G replaced by C.
Protein change: p.Glu57Asp; replaces glutamic acid 57 with aspartic acid.
Molecular consequence: missense variant.
Genome position (GRCh38, 1-based): chr11:119,206,588, G>C. VCF-style: chr11-119206588-G-C. GRCh37 (hg19) VCF-style: chr11-119077298-G-C.
Other names: short protein forms E57D.
Identifiers: ClinVar variation 4800596 (VCV004800596.1).

ClinVar aggregate classification (germline): Uncertain significance (1 of 4 stars; one submission).

Conditions:
RASopathy. Also called: rasopathies; Noonan spectrum disorder. Identifiers: Orphanet 536391, MedGen C5555857, MONDO:0021060.

gnomAD v4.1: 2 of 1,548,618 alleles (0.00013%); highest among the groups gnomAD compares: Non-Finnish European, 0.00017%; no homozygotes.

Submission:

Labcorp Genetics (formerly Invitae), Labcorp
Classification: Uncertain significance for RASopathy. Last evaluated: 2025-02-19. Review status: criteria provided, single submitter. Criteria: Invitae Variant Classification Sherloc (09022015). Collection method: clinical testing. Allele origin: germline.
Comment: This sequence change replaces glutamic acid, which is acidic and polar, with aspartic acid, which is acidic and polar, at codon 57 of the CBL protein (p.Glu57Asp). This variant is not present in population databases (gnomAD no frequency). This variant has not been reported in the literature in individuals affected with CBL-related conditions. Invitae Evidence Modeling of protein sequence and biophysical properties (such as structural, functional, and spatial information, amino acid conservation, physicochemical variation, residue mobility, and thermodynamic stability) indicates that this missense variant is not expected to disrupt CBL protein function with a negative predictive value of 95%. In summary, the available evidence is currently insufficient to determine the role of this variant in disease. Therefore, it has been classified as a Variant of Uncertain Significance.